The following is an entry in ClinVar:

ClinVar aggregate classification (germline): Benign. Review status: criteria provided, multiple submitters, no conflicts (2 of 4 stars). 3 submissions from 3 submitters: Benign (3). Last evaluated 2023-11-12.

Allele frequency attached by ClinVar (database versions not stated): 1000 Genomes Project 30x 0.32042; 1000 Genomes Project 0.32668; gnomAD exomes 0.23940; gnomAD 0.30347 and 0.30486; TOPMed 0.30505.
gnomAD v4.1: 311,456 of 1,257,722 alleles (25%); highest among the groups gnomAD compares: African/African-American, 47%; 42,120 homozygotes.

Submissions (3):

Unidad de Genómica Garrahan, Hospital de Pediatría Garrahan
Classification: Benign. Last evaluated: 2023-11-12. Review status: criteria provided, single submitter. Criteria: ACMG Guidelines, 2015. Collection method: clinical testing. Allele origin: germline. Affected: no. Observed: 22 variant alleles.
Comment: This variant is classified as Benign based on local population frequency. This variant was detected in 23% of patients studied by a panel of primary immunodeficiencies. Number of patients: 22. Only high quality variants are reported.

GeneDx
Classification: Benign. Last evaluated: 2018-11-27. Review status: criteria provided, single submitter. Criteria: GeneDx Variant Classification Process June 2021. Collection method: clinical testing. Allele origin: germline. Affected: yes.

Breakthrough Genomics
Classification: Benign. Review status: criteria provided, single submitter. Criteria: ACMG Guidelines, 2015. Collection method: not provided. Allele origin: germline. Inheritance: Autosomal recessive inheritance. Affected: yes.

NM_001261826.3(AP3D1):c.2002-123G>A

Gene: AP3D1 (adaptor related protein complex 3 subunit delta 1; minus strand). Cytogenetic location: 19p13.3.
Variant type: single nucleotide variant.
Coding change: c.2002-123G>A on transcript NM_001261826.3 (MANE Select); 123 bases into the intron before coding-DNA position 2002, G replaced by A.
Molecular consequence: intron variant.
Genome position (GRCh38, 1-based): chr19:2,116,401, C>T on the plus strand (G>A on the coding strand, the complement: AP3D1 is on the minus strand). VCF-style: chr19-2116401-C-T. GRCh37 (hg19) VCF-style: chr19-2116400-C-T.
Other names: c.2002-123G>A (NM_003938.8, NM_001374799.1).
Identifiers: ClinVar variation 1278158 (VCV001278158.4), dbSNP rs9676693, ClinGen allele CA14651174.